The following is an entry in ClinVar:

ClinVar aggregate classification (germline): Uncertain significance (1 of 4 stars; one submission).

Conditions:
Familial hypocalciuric hypercalcemia (FHH). Also called: Familial benign hypercalcemia. Identifiers: Orphanet 405, MedGen C1809471, MONDO:0018458.
Autosomal dominant hypocalcemia 1 (HYPOC1). Also called: HYPOCALCEMIA, FAMILIAL. Identifiers: MedGen C3715128, MONDO:0011013, OMIM 601198.

Submission:

Labcorp Genetics (formerly Invitae), Labcorp
Classification: Uncertain significance for Familial hypocalciuric hypercalcemia; Autosomal dominant hypocalcemia 1. Last evaluated: 2021-04-04. Review status: criteria provided, single submitter. Criteria: Invitae Variant Classification Sherloc (09022015). Collection method: clinical testing. Allele origin: germline.
Comment: In summary, the available evidence is currently insufficient to determine the role of this variant in disease. Therefore, it has been classified as a Variant of Uncertain Significance. Algorithms developed to predict the effect of missense changes on protein structure and function (SIFT, PolyPhen-2, Align-GVGD) all suggest that this variant is likely to be disruptive, but these predictions have not been confirmed by published functional studies and their clinical significance is uncertain. This variant has not been reported in the literature in individuals with CASR-related conditions. This variant is not present in population databases (ExAC no frequency). This sequence change replaces isoleucine with valine at codon 252 of the CASR protein (p.Ile252Val). The isoleucine residue is highly conserved and there is a small physicochemical difference between isoleucine and valine.

NM_000388.4(CASR):c.754A>G (p.Ile252Val)

Gene: CASR (calcium sensing receptor; plus strand). Cytogenetic location: 3q21.1.
Variant type: single nucleotide variant.
Coding change: c.754A>G on transcript NM_000388.4 (MANE Select); coding-DNA position 754, A replaced by G.
Protein change: p.Ile252Val; replaces isoleucine 252 with valine.
Molecular consequence: missense variant.
Genome position (GRCh38, 1-based): chr3:122,261,789, A>G. VCF-style: chr3-122261789-A-G. GRCh37 (hg19) VCF-style: chr3-121980636-A-G.
Other names: c.754A>G, p.Ile252Val (NM_001178065.2); short protein forms I252V.
Identifiers: ClinVar variation 1384773 (VCV001384773.8), dbSNP rs2107632219, ClinGen allele CA354151283.
Genomic context (GRCh38, chr3:122,261,789, plus strand): 5'-GAAAGGGATATCTGCATCGACTTCAGTGAACTCATCTCCCAGTACTCTGATGAGGAAGAG[A>G]TCCAGCATGTGGTAGAGGTGATTCAAAATTCCACGGCCAAAGTCATCGTGGTTTTCTCCA-3'
Protein context (NP_000379.3, residues 242-262): LISQYSDEEE[Ile252Val]QHVVEVIQNS